The following is an entry in ClinVar:

ClinVar aggregate classification (germline): Uncertain significance (1 of 4 stars; one submission).

Conditions:
Cardiovascular phenotype. Identifiers: MedGen CN230736.

Submission:

Ambry Genetics
Classification: Uncertain significance for Cardiovascular phenotype. Last evaluated: 2024-01-03. Review status: criteria provided, single submitter. Criteria: Ambry Variant Classification Scheme 2023. Collection method: clinical testing. Allele origin: germline.
Comment: The c.-5C>T variant is located in the 5' untranslated region (5&rsquo; UTR) of the TPM1 gene. This variant results from a C to T substitution 5 nucleotides upstream from the first translated codon. This nucleotide position is well conserved in available vertebrate species. Since supporting evidence is limited at this time, the clinical significance of this alteration remains unclear.

NM_001018005.2(TPM1):c.-5C>T

Gene: TPM1 (tropomyosin 1; plus strand). Cytogenetic location: 15q22.2.
Variant type: single nucleotide variant.
Coding change: c.-5C>T on transcript NM_001018005.2 (MANE Select); 5 bases upstream of the start codon, C replaced by T.
Molecular consequence: 5 prime UTR variant. On other transcripts: non-coding transcript variant (11).
Genome position (GRCh38, 1-based): chr15:63,042,825, C>T. VCF-style: chr15-63042825-C-T. GRCh37 (hg19) VCF-style: chr15-63335024-C-T.
Other names: c.-5C>T (NM_000366.6, NM_001018004.2, NM_001018006.2 and 24 more transcripts).
Identifiers: ClinVar variation 3232361 (VCV003232361.1), dbSNP rs2542411530, ClinGen allele CA2804448101.